The following is an entry in ClinVar:

NM_001368397.1(FRMPD4):c.1658G>A (p.Cys553Tyr)

Gene: FRMPD4 (FERM and PDZ domain containing 4; plus strand). Cytogenetic location: Xp22.2.
Variant type: single nucleotide variant.
Coding change: c.1658G>A on transcript NM_001368397.1 (MANE Select); coding-DNA position 1658, G replaced by A.
Protein change: p.Cys553Tyr; replaces cysteine 553 with tyrosine.
Molecular consequence: missense variant.
Genome position (GRCh38, 1-based): chrX:12,716,117, G>A. VCF-style: chrX-12716117-G-A. GRCh37 (hg19) VCF-style: chrX-12734236-G-A.
Other names: c.1769G>A, p.Cys590Tyr (NM_001368395.3, NM_001368398.3); c.1664G>A, p.Cys555Tyr (NM_001368396.3); c.1649G>A, p.Cys550Tyr (NM_001368399.3); c.1538G>A, p.Cys513Tyr (NM_001368400.3); c.1634G>A, p.Cys545Tyr (NM_001368401.1, NM_001368402.3); c.1658G>A, p.Cys553Tyr (NM_014728.3); short protein forms C513Y, C545Y, C550Y, C553Y, C555Y, C590Y.
Identifiers: ClinVar variation 3775483 (VCV003775483.1).

ClinVar aggregate classification (germline): Uncertain significance (1 of 4 stars; one submission).

Conditions:
Intellectual developmental disorder, X-linked 104. Also called: Intellectual disability, X-linked 104. Identifiers: MedGen C4310817, MONDO:0010509, OMIM 300983.

gnomAD v4.1: 1 of 1,197,936 alleles (0.000083%); highest among the groups gnomAD compares: African/African-American, 0.0018%; no homozygotes.

Submission:

3billion
Classification: Uncertain significance for Intellectual developmental disorder, X-linked 104. Last evaluated: 2023-09-25. Review status: criteria provided, single submitter. Criteria: ACMG Guidelines, 2015. Collection method: clinical testing. Allele origin: germline. Affected: yes.
Comment: The variant is not observed in the gnomAD v2.1.1 dataset. Predicted Consequence/Location: The majority of the known disease-causing variants of this gene are variants expected to result in premature termination of the protein. Premature termination of the protein is a common disease-causing mechanism for this gene. In silico tool predictions suggest no damaging effect of the variant on gene or gene product [REVEL: 0.05 (<0.4); 3Cnet: 0.00 (<0.15, specificity 0.78 and negative predicitive value 0.92)]. A different missense change at the same codon (p.Cys553Arg) has been reported as pathogenic/likely pathogenic with strong evidence (ClinVar ID: VCV000254683 /PMID: 25644381). Therefore, this variant is classified as VUS according to the recommendation of ACMG/AMP guideline.

Literature cited by the submitters: PubMed 25644381.